The following is an entry in ClinVar:

NM_003859.3(DPM1):c.678+4T>G

Genes: ADNP-AS1 (ADNP antisense RNA 1; plus strand), DPM1 (dolichyl-phosphate mannosyltransferase subunit 1, catalytic; minus strand). Cytogenetic location: 20q13.13.
Variant type: single nucleotide variant.
Coding change: c.678+4T>G on transcript NM_003859.3 (MANE Select); 4 bases into the intron after coding-DNA position 678, T replaced by G.
Molecular consequence: intron variant.
Genome position (GRCh38, 1-based): chr20:50,936,144, A>C on the plus strand (T>G on the coding strand, the complement: DPM1 is on the minus strand). VCF-style: chr20-50936144-A-C. GRCh37 (hg19) VCF-style: chr20-49552681-A-C.
Other names: c.609+4T>G (NM_001317036.1); c.759+4T>G (NM_001317035.1); c.783+4T>G (NM_001317034.1).
Identifiers: ClinVar variation 1035937 (VCV001035937.4), dbSNP rs948892336, ClinGen allele CA315296319.
Genomic context (GRCh38, chr20:50,936,144, plus strand): 5'-AAATTCTAAACCTTACTGCTCCTTTACCAGGAACATGACACACTATTTAGCATCAGTTGC[A>C]TACCTCGCCAATAGTATAATTCAACTGTCTTGCCCGAACAATCATCTCCATCTGGAAGAC-3'

ClinVar aggregate classification (germline): Uncertain significance (1 of 4 stars; one submission).

Conditions:
Congenital disorder of glycosylation type 1E (CDG1E). Also called: CONGENITAL DISORDER OF GLYCOSYLATION, TYPE Ie; CDG Ie. Identifiers: Orphanet 79322, MedGen C1837396, MONDO:0012123, OMIM 608799.

Allele frequency attached by ClinVar (database versions not stated): gnomAD 0.00001; TOPMed 0.00004.
gnomAD v4.1: 2 of 1,602,218 alleles (0.00012%); highest among the groups gnomAD compares: African/African-American, 0.0027%; no homozygotes.

Submission:

Labcorp Genetics (formerly Invitae), Labcorp
Classification: Uncertain significance for Congenital disorder of glycosylation type 1E. Last evaluated: 2020-09-17. Review status: criteria provided, single submitter. Criteria: Invitae Variant Classification Sherloc (09022015). Collection method: clinical testing. Allele origin: germline.
Comment: This sequence change falls in intron 8 of the DPM1 gene. It does not directly change the encoded amino acid sequence of the DPM1 protein, but it affects a nucleotide within the consensus splice site of the intron. This variant is not present in population databases (ExAC no frequency). This variant has not been reported in the literature in individuals with DPM1-related conditions. Nucleotide substitutions within the consensus splice site are a relatively common cause of aberrant splicing (PMID: 17576681, 9536098). Algorithms developed to predict the effect of sequence changes on RNA splicing suggest that this variant is not likely to affect RNA splicing, but this prediction has not been confirmed by published transcriptional studies. In summary, the available evidence is currently insufficient to determine the role of this variant in disease. Therefore, it has been classified as a Variant of Uncertain Significance.

Literature cited by the submitters: PubMed 17576681; PubMed 9536098.